The following is an entry in ClinVar:

ClinVar aggregate classification (germline): Uncertain significance (1 of 4 stars; one submission).

Conditions:
Aicardi-Goutieres syndrome 6 (AGS6). Identifiers: Orphanet 51, MedGen C3539013, MONDO:0014007, OMIM 615010.
Symmetrical dyschromatosis of extremities (DSH). Also called: Dyschromatosis symmetrica hereditaria; DYSCHROMATOSIS SYMMETRICA HEREDITARIA 1; RETICULATE ACROPIGMENTATION OF DOHI; SYMMETRIC DYSCHROMATOSIS OF THE EXTREMITIES. Identifiers: Orphanet 41, MedGen C0406775, MONDO:0007483, OMIM 127400.

Submission:

Labcorp Genetics (formerly Invitae), Labcorp
Classification: Uncertain significance for Aicardi-Goutieres syndrome 6; Symmetrical dyschromatosis of extremities. Last evaluated: 2025-02-28. Review status: criteria provided, single submitter. Criteria: Invitae Variant Classification Sherloc (09022015). Collection method: clinical testing. Allele origin: germline.
Comment: This sequence change replaces aspartic acid, which is acidic and polar, with glycine, which is neutral and non-polar, at codon 937 of the ADAR protein (p.Asp937Gly). This variant is not present in population databases (gnomAD no frequency). This variant has not been reported in the literature in individuals affected with ADAR-related conditions. Invitae Evidence Modeling of protein sequence and biophysical properties (such as structural, functional, and spatial information, amino acid conservation, physicochemical variation, residue mobility, and thermodynamic stability) indicates that this missense variant is not expected to disrupt ADAR protein function with a negative predictive value of 80%. In summary, the available evidence is currently insufficient to determine the role of this variant in disease. Therefore, it has been classified as a Variant of Uncertain Significance.

NM_001111.5(ADAR):c.2810A>G (p.Asp937Gly)

Gene: ADAR (adenosine deaminase RNA specific; minus strand). Cytogenetic location: 1q21.3.
Variant type: single nucleotide variant.
Coding change: c.2810A>G on transcript NM_001111.5 (MANE Select); coding-DNA position 2810, A replaced by G.
Protein change: p.Asp937Gly; replaces aspartic acid 937 with glycine.
Molecular consequence: missense variant.
Genome position (GRCh38, 1-based): chr1:154,588,626, T>C on the plus strand (A>G on the coding strand, the complement: ADAR is on the minus strand). VCF-style: chr1-154588626-T-C. GRCh37 (hg19) VCF-style: chr1-154561102-T-C.
Other names: c.1925A>G, p.Asp642Gly (NM_001025107.3, NM_001193495.2, NM_001365046.1 and 2 more transcripts); c.2837A>G, p.Asp946Gly (NM_001365045.1); c.1847A>G, p.Asp616Gly (NM_001365049.1); c.2732A>G, p.Asp911Gly (NM_015840.4); c.2675A>G, p.Asp892Gly (NM_015841.4); short protein forms D642G, D937G, D946G, D616G, D892G, D911G.
Identifiers: ClinVar variation 4782871 (VCV004782871.1).